The following is an entry in ClinVar:

NM_000400.4(ERCC2):c.1644C>T (p.Thr548=)

Gene: ERCC2 (ERCC excision repair 2, TFIIH core complex helicase subunit; minus strand). Cytogenetic location: 19q13.32.
Variant type: single nucleotide variant.
Coding change: c.1644C>T on transcript NM_000400.4 (MANE Select); coding-DNA position 1644, C replaced by T.
Protein change: p.Thr548=; no amino-acid change (threonine 548 retained).
Molecular consequence: synonymous variant.
Genome position (GRCh38, 1-based): chr19:45,354,751, G>A on the plus strand (C>T on the coding strand, the complement: ERCC2 is on the minus strand). VCF-style: chr19-45354751-G-A. GRCh37 (hg19) VCF-style: chr19-45858009-G-A.
Identifiers: ClinVar variation 329510 (VCV000329510.17), dbSNP rs375824454, ClinGen allele CA9513175.

ClinVar aggregate classification (germline): Conflicting classifications of pathogenicity. Review status: criteria provided, conflicting classifications (1 of 4 stars). 5 submissions from 5 submitters: Uncertain significance (1); Likely benign (3). 1 of the submissions does not count toward it. Last evaluated 2026-01-21.

Conditions:
Inborn genetic diseases. Identifiers: MedGen C0950123, MeSH D030342.
ERCC2-related disorder. Also called: ERCC2-related conditions; ERCC2-related condition; ERCC2-related disorders. Identifiers: MedGen CN239291.
Xeroderma pigmentosum, group D (XPD). Also called: XERODERMA PIGMENTOSUM, COMPLEMENTATION GROUP D; XERODERMA PIGMENTOSUM IV; XP, GROUP D; XP, GROUP H; ERCC2-Related Xeroderma Pigmentosum. Identifiers: MedGen C0268138, MONDO:0010212, OMIM 278730.

Allele frequency attached by ClinVar (database versions not stated): gnomAD 0.00003; TOPMed 0.00014.
gnomAD v4.1: 111 of 1,613,884 alleles (0.0069%); highest among the groups gnomAD compares: Admixed American, 0.077%; no homozygotes.

Submissions (5):

Labcorp Genetics (formerly Invitae), Labcorp
Classification: Likely benign. Last evaluated: 2026-01-21. Review status: criteria provided, single submitter. Criteria: Invitae Variant Classification Sherloc (09022015). Collection method: clinical testing. Allele origin: germline.

Blueprint Genetics
Classification: Likely benign. Last evaluated: 2024-08-08. Review status: criteria provided, single submitter. Criteria: ACMG Guidelines, 2015. Collection method: clinical testing. Allele origin: germline.

Ambry Genetics
Classification: Likely benign for Inborn genetic diseases. Last evaluated: 2022-02-26. Review status: criteria provided, single submitter. Criteria: Ambry Variant Classification Scheme 2023. Collection method: clinical testing. Allele origin: germline.

Illumina Laboratory Services, Illumina
Classification: Uncertain significance for Xeroderma pigmentosum, group D. Last evaluated: 2018-01-12. Review status: criteria provided, single submitter. Criteria: ICSL Variant Classification Criteria 13 December 2019. Collection method: clinical testing. Allele origin: germline.

PreventionGenetics, part of Exact Sciences
Classification: Likely benign for ERCC2-related condition. Last evaluated: 2022-04-25. Review status: no assertion criteria provided. Collection method: clinical testing. Allele origin: germline. Not counted in ClinVar's aggregate classification.
Comment: This variant is classified as likely benign based on ACMG/AMP sequence variant interpretation guidelines (Richards et al. 2015 PMID: 25741868, with internal and published modifications).